The following is an entry in ClinVar:

NM_001018005.2(TPM1):c.775G>A (p.Glu259Lys)

Gene: TPM1 (tropomyosin 1; plus strand). Cytogenetic location: 15q22.2.
Variant type: single nucleotide variant.
Coding change: c.775G>A on transcript NM_001018005.2 (MANE Select); coding-DNA position 775, G replaced by A.
Protein change: p.Glu259Lys; replaces glutamic acid 259 with lysine.
Molecular consequence: missense variant. On other transcripts: intron variant (12).
Genome position (GRCh38, 1-based): chr15:63,064,066, G>A. VCF-style: chr15-63064066-G-A. GRCh37 (hg19) VCF-style: chr15-63356265-G-A.
Other names: c.775G>A, p.Glu259Lys (NM_000366.6, NM_001301244.2, NM_001365779.1); c.667G>A, p.Glu223Lys (NM_001330346.2, NM_001365781.2, NM_001365782.1); c.898+1421G>A (NM_001365778.1); c.772+1421G>A (NM_001018020.2, NM_001018007.2, NM_001018006.2 and 3 more transcripts); c.664+1421G>A (NM_001330351.2, NM_001330344.2, NM_001018008.2 and 2 more transcripts); short protein forms E259K, E223K.
Identifiers: ClinVar variation 43440 (VCV000043440.12), dbSNP rs397516389, ClinGen allele CA018348.

ClinVar aggregate classification (germline): Uncertain significance. Review status: criteria provided, multiple submitters, no conflicts (2 of 4 stars). 4 submissions from 4 submitters: Uncertain significance (4). Last evaluated 2024-09-23.

Conditions:
Hypertrophic cardiomyopathy. Also called: HYPERTROPHIC MYOCARDIOPATHY. Identifiers: Orphanet 217569, MedGen C0007194, MeSH D002312, MONDO:0005045, HP:0001639.

Allele frequency attached by ClinVar (database versions not stated): ExAC 0.00001.
gnomAD v4.1: 2 of 1,613,886 alleles (0.00012%); highest among the groups gnomAD compares: Non-Finnish European, 0.00017%; no homozygotes.

Submissions (4):

All of Us Research Program, National Institutes of Health
Classification: Uncertain significance for Hypertrophic cardiomyopathy. Last evaluated: 2024-09-23. Review status: criteria provided, single submitter. Criteria: ACMG Guidelines, 2015. Collection method: clinical testing. Allele origin: germline. Inheritance: Autosomal dominant inheritance. Observed: 2 variant alleles, 2 heterozygotes.
Comment: This study involves interpretation of variants in research participants for the purpose of population health screening. Participant phenotype was not available at the time of variant classification. Additional details can be found in publication PMID: 35346344, PMCID: PMC8962531

Blueprint Genetics
Classification: Uncertain significance. Last evaluated: 2024-09-05. Review status: criteria provided, single submitter. Criteria: ACMG Guidelines, 2015. Collection method: clinical testing. Allele origin: germline.

Labcorp Genetics (formerly Invitae), Labcorp
Classification: Uncertain significance for Hypertrophic cardiomyopathy. Last evaluated: 2021-09-24. Review status: criteria provided, single submitter. Criteria: Invitae Variant Classification Sherloc (09022015). Collection method: clinical testing. Allele origin: germline.
Comment: This sequence change replaces glutamic acid with lysine at codon 259 of the TPM1 protein (p.Glu259Lys). The glutamic acid residue is weakly conserved and there is a small physicochemical difference between glutamic acid and lysine. This variant is present in population databases (rs397516389, ExAC 0.002%). This variant has not been reported in the literature in individuals with TPM1-related conditions. ClinVar contains an entry for this variant (Variation ID: 43440). Algorithms developed to predict the effect of missense changes on protein structure and function (SIFT, PolyPhen-2, Align-GVGD) all suggest that this variant is likely to be tolerated, but these predictions have not been confirmed by published functional studies and their clinical significance is uncertain. In summary, the available evidence is currently insufficient to determine the role of this variant in disease. Therefore, it has been classified as a Variant of Uncertain Significance.

Laboratory for Molecular Medicine, Mass General Brigham Personalized Medicine
Classification: Uncertain significance. Last evaluated: 2012-05-24. Review status: criteria provided, single submitter. Criteria: LMM Criteria. Collection method: clinical testing. Allele origin: germline. Observed: 1 variant allele.
Comment: The Glu259Lys variant in TPM1 has not been reported in the literature nor previo usly identified by our laboratory. Computational analyses (conservation, AlignGV GD, PolyPhen2, and SIFT) are limited/unavailable for this variant due to the pre sent of alternative transcript in TPM1. In summary, additional information is ne eded to fully assess the clinical significance of the Glu259Lys variant.